The following is an entry in ClinVar:

NM_001167.4(XIAP):c.1264A>G (p.Met422Val)

Gene: XIAP (X-linked inhibitor of apoptosis; plus strand). Cytogenetic location: Xq25.
Variant type: single nucleotide variant.
Coding change: c.1264A>G on transcript NM_001167.4 (MANE Select); coding-DNA position 1264, A replaced by G.
Protein change: p.Met422Val; replaces methionine 422 with valine.
Molecular consequence: missense variant. On other transcripts: non-coding transcript variant (2).
Genome position (GRCh38, 1-based): chrX:123,900,657, A>G. VCF-style: chrX-123900657-A-G. GRCh37 (hg19) VCF-style: chrX-123034507-A-G.
Other names: c.1264A>G, p.Met422Val (NM_001204401.2, NM_001378590.1, NM_001378591.1 and 1 more transcripts); short protein forms M422V.
Identifiers: ClinVar variation 2047962 (VCV002047962.4), dbSNP rs750669780, ClinGen allele CA10508166.

ClinVar aggregate classification (germline): Uncertain significance (1 of 4 stars; one submission).

Conditions:
X-linked lymphoproliferative disease due to XIAP deficiency. Also called: XIAP DEFICIENCY; XIAP-Related Lymphoproliferative Disease, X-Linked. Identifiers: Orphanet 2442, Orphanet 538934, MedGen C1845076, MONDO:0010385, OMIM 300635.

Allele frequency attached by ClinVar (database versions not stated): gnomAD exomes 0.00001; ExAC 0.00002; gnomAD 0.00002; TOPMed 0.00005.
gnomAD v4.1: 10 of 1,209,806 alleles (0.00083%); highest among the groups gnomAD compares: Admixed American, 0.0088%; no homozygotes.

Submission:

Labcorp Genetics (formerly Invitae), Labcorp
Classification: Uncertain significance for X-linked lymphoproliferative disease due to XIAP deficiency. Last evaluated: 2025-12-29. Review status: criteria provided, single submitter. Criteria: Invitae Variant Classification Sherloc (09022015). Collection method: clinical testing. Allele origin: germline.
Comment: This sequence change replaces methionine, which is neutral and non-polar, with valine, which is neutral and non-polar, at codon 422 of the XIAP protein (p.Met422Val). This variant is present in population databases (rs750669780, gnomAD 0.008%), including at least one homozygous and/or hemizygous individual. This variant has not been reported in the literature in individuals affected with XIAP-related conditions. ClinVar contains an entry for this variant (Variation ID: 2047962). Invitae Evidence Modeling of protein sequence and biophysical properties (such as structural, functional, and spatial information, amino acid conservation, physicochemical variation, residue mobility, and thermodynamic stability) indicates that this missense variant is not expected to disrupt XIAP protein function with a negative predictive value of 80%. In summary, the available evidence is currently insufficient to determine the role of this variant in disease. Therefore, it has been classified as a Variant of Uncertain Significance.